The following is an entry in ClinVar:

ClinVar aggregate classification (germline): Uncertain significance. Review status: criteria provided, multiple submitters, no conflicts (2 of 4 stars). 3 submissions from 3 submitters: Uncertain significance (2). 1 of the submissions does not count toward it. Last evaluated 2022-03-29.

Conditions:
Familial dysautonomia. Also called: FD; HSAN III. Identifiers: Orphanet 1764, MedGen C0013364, MONDO:0009131, OMIM 223900. Disease mechanism: loss of function.
Medulloblastoma (MDB). Also called: MEDULLOBLASTOMA PREDISPOSITION SYNDROME; Medulloblastoma, somatic. Identifiers: Orphanet 616, MedGen C0025149, MeSH D008527, MONDO:0007959, OMIM 155255, HP:0002885.

Allele frequency attached by ClinVar (database versions not stated): gnomAD exomes below 0.00001; TOPMed below 0.00001.

Submissions (3):

Fulgent Genetics
Classification: Uncertain significance for Medulloblastoma; Familial dysautonomia. Last evaluated: 2022-03-29. Review status: criteria provided, single submitter. Criteria: ACMG Guidelines, 2015. Collection method: clinical testing. Allele origin: unknown.

Ambry Genetics
Classification: Uncertain significance. Last evaluated: 2021-07-21. Review status: criteria provided, single submitter. Criteria: Ambry Variant Classification Scheme 2023. Collection method: clinical testing. Allele origin: germline.
Comment: The p.A1021S variant (also known as c.3061G>T), located in coding exon 27 of the IKBKAP gene, results from a G to T substitution at nucleotide position 3061. The alanine at codon 1021 is replaced by serine, an amino acid with similar properties. This amino acid position is conserved. In addition, the in silico prediction for this alteration is inconclusive. Since supporting evidence is limited at this time, the clinical significance of this alteration remains unclear.

Natera, Inc.
Classification: Uncertain significance for Familial dysautonomia. Last evaluated: 2020-08-25. Review status: no assertion criteria provided. Collection method: clinical testing. Allele origin: germline. Not counted in ClinVar's aggregate classification.

NM_003640.5(ELP1):c.3061G>T (p.Ala1021Ser)

Gene: ELP1 (elongator acetyltransferase complex subunit 1; minus strand). Cytogenetic location: 9q31.3.
Variant type: single nucleotide variant.
Coding change: c.3061G>T on transcript NM_003640.5 (MANE Select); coding-DNA position 3061, G replaced by T.
Protein change: p.Ala1021Ser; replaces alanine 1021 with serine.
Molecular consequence: missense variant.
Genome position (GRCh38, 1-based): chr9:108,891,302, C>A on the plus strand (G>T on the coding strand, the complement: ELP1 is on the minus strand). VCF-style: chr9-108891302-C-A. GRCh37 (hg19) VCF-style: chr9-111653582-C-A.
Other names: c.2719G>T, p.Ala907Ser (NM_001318360.2); c.2014G>T, p.Ala672Ser (NM_001330749.2); c.3061G>T (NM_003640.3); short protein forms A1021S, A672S, A907S.
Identifiers: ClinVar variation 989523 (VCV000989523.4), dbSNP rs1296107083, ClinGen allele CA374416850.